The following is an entry in ClinVar:

ClinVar aggregate classification (germline): Uncertain significance (1 of 4 stars; one submission).

Submission:

Ambry Genetics
Classification: Uncertain significance. Last evaluated: 2026-06-04. Review status: criteria provided, single submitter. Criteria: Ambry Variant Classification Scheme 2023. Collection method: clinical testing. Allele origin: germline.
Comment: The c.275A>C (p.E92A) alteration is located in exon 3 (coding exon 2) of the VCX2 gene. This alteration results from a A to C substitution at nucleotide position 275, causing the glutamic acid (E) at amino acid position 92 to be replaced by an alanine (A). Based on data from gnomAD, the C allele has an overall frequency of 0.002% (3/158093) total alleles studied. The highest observed frequency was 0.004% (1/25055) of Latino alleles. Based on insufficient or conflicting evidence, the clinical significance of this alteration remains unclear.

NM_016378.3(VCX2):c.275A>C (p.Glu92Ala)

Genes: VCX2 (variable charge X-linked 2; minus strand), LOC106029241 (S232-VCX2 recombination region; plus strand). Cytogenetic location: Xp22.31.
Variant type: single nucleotide variant.
Coding change: c.275A>C on transcript NM_016378.3 (MANE Select); coding-DNA position 275, A replaced by C.
Protein change: p.Glu92Ala; replaces glutamic acid 92 with alanine.
Molecular consequence: missense variant.
Genome position (GRCh38, 1-based): chrX:8,170,177, T>G on the plus strand (A>C on the coding strand, the complement: VCX2 is on the minus strand). VCF-style: chrX-8170177-T-G. GRCh37 (hg19) VCF-style: chrX-8138218-T-G.
Other names: short protein forms E92A.
Identifiers: ClinVar variation 4866411 (VCV004866411.1).